The following is an entry in ClinVar:

ClinVar aggregate classification (germline): Uncertain significance (1 of 4 stars; one submission).

Conditions:
Hereditary sensory and autonomic neuropathy type 6. Also called: Neuropathy, hereditary sensory and autonomic, type VI; HSAN VI. Identifiers: Orphanet 314381, MedGen C3539003, MONDO:0013839, OMIM 614653.
Epidermolysis bullosa simplex 3, localized or generalized intermediate, with BP230 deficiency (EBS3). Also called: Epidermolysis bullosa simplex due to BP230 deficiency; Epidermolysis bullosa simplex, autosomal recessive 2. Identifiers: Orphanet 412181, MedGen C3809470, MONDO:0014180, OMIM 615425.

gnomAD v4.1: 4 of 1,613,900 alleles (0.00025%); highest among the groups gnomAD compares: South Asian, 0.0011%; no homozygotes.

Submission:

Labcorp Genetics (formerly Invitae), Labcorp
Classification: Uncertain significance for Epidermolysis bullosa simplex 3, localized or generalized intermediate, with BP230 deficiency; Hereditary sensory and autonomic neuropathy type 6. Last evaluated: 2021-12-13. Review status: criteria provided, single submitter. Criteria: Invitae Variant Classification Sherloc (09022015). Collection method: clinical testing. Allele origin: germline.
Comment: This sequence change replaces serine, which is neutral and polar, with proline, which is neutral and non-polar, at codon 2053 of the DST protein (p.Ser2053Pro). This variant is not present in population databases (gnomAD no frequency). This variant has not been reported in the literature in individuals affected with DST-related conditions. Algorithms developed to predict the effect of missense changes on protein structure and function are either unavailable or do not agree on the potential impact of this missense change (SIFT: "Deleterious"; PolyPhen-2: "Benign"; Align-GVGD: "Class C0"). In summary, the available evidence is currently insufficient to determine the role of this variant in disease. Therefore, it has been classified as a Variant of Uncertain Significance.

NM_001723.7(DST):c.6157T>C (p.Ser2053Pro)

Gene: DST (dystonin; minus strand). Cytogenetic location: 6p12.1.
Variant type: single nucleotide variant.
Coding change: c.6157T>C on transcript NM_001723.7 (MANE Plus Clinical); coding-DNA position 6157, T replaced by C.
Protein change: p.Ser2053Pro; replaces serine 2053 with proline.
Molecular consequence: missense variant. On other transcripts: intron variant (10).
Genome position (GRCh38, 1-based): chr6:56,617,310, A>G on the plus strand (T>C on the coding strand, the complement: DST is on the minus strand). VCF-style: chr6-56617310-A-G. GRCh37 (hg19) VCF-style: chr6-56482108-A-G.
Other names: c.4831-2826T>C (NM_001144769.5); c.4930-2826T>C (NM_001374722.1, NM_001374736.1); c.4957-2826T>C (NM_001374734.1); c.4417-2826T>C (NM_001144770.2); c.4297-2826T>C (NM_001374730.1, NM_001386100.1, NM_183380.4 and 1 more transcripts); c.3319-2826T>C (NM_015548.5); short protein forms S2053P.
Identifiers: ClinVar variation 1396966 (VCV001396966.3), dbSNP rs2152732116, ClinGen allele CA364565748.